The following is an entry in ClinVar:

NM_001376013.1(EPB41):c.1930A>G (p.Ile644Val)

Gene: EPB41 (erythrocyte membrane protein band 4.1; plus strand). Cytogenetic location: 1p35.3.
Variant type: single nucleotide variant.
Coding change: c.1930A>G on transcript NM_001376013.1 (MANE Select); coding-DNA position 1930, A replaced by G.
Protein change: p.Ile644Val; replaces isoleucine 644 with valine.
Molecular consequence: missense variant. On other transcripts: intron variant (11).
Genome position (GRCh38, 1-based): chr1:29,058,838, A>G. VCF-style: chr1-29058838-A-G. GRCh37 (hg19) VCF-style: chr1-29385350-A-G.
Other names: c.1930A>G, p.Ile644Val (NM_001166005.2, NM_001376016.1, NM_001376017.1 and 1 more transcripts); c.1927A>G, p.Ile643Val (NM_001376018.1, NM_001376020.1); c.1303A>G, p.Ile435Val (NM_001376022.1, NM_001376023.1, NM_001376024.1 and 1 more transcripts); c.1275+193A>G (NM_203342.3); c.1740+5526A>G (NM_203343.3); c.1219-1584A>G (NM_004437.4); c.1218+5526A>G (NM_001166007.2, NM_001376027.1); c.1272+193A>G (NM_001376026.1); and 3 more; short protein forms I643V, I435V, I644V.
Identifiers: ClinVar variation 2920914 (VCV002920914.12), dbSNP rs201674226, ClinGen allele CA724677.

ClinVar aggregate classification (germline): Conflicting classifications of pathogenicity. Review status: criteria provided, conflicting classifications (1 of 4 stars). 3 submissions from 3 submitters: Uncertain significance (2); Likely benign (1). Last evaluated 2025-08-01.

Conditions:
Elliptocytosis 1 (EL1). Also called: ELLIPTOCYTOSIS, RHESUS-LINKED TYPE; 4.1- TRAIT; 4.1-MINUS TRAIT; PROTEIN 4.1 OF ERYTHROCYTE MEMBRANE, DEFECT OF. Identifiers: Orphanet 288, MedGen C2678497, MONDO:0012731, OMIM 611804.

Allele frequency attached by ClinVar (database versions not stated): ExAC 0.00005; gnomAD 0.00017; TOPMed 0.00025; ESP Exome Variant Server 0.00088.
gnomAD v4.1: 576 of 1,550,856 alleles (0.037%); highest among the groups gnomAD compares: Non-Finnish European, 0.046%; 2 homozygotes.

Submissions (4):

CeGaT Center for Human Genetics Tuebingen
Classification: Uncertain significance. Last evaluated: 2025-08-01. Review status: criteria provided, single submitter. Criteria: CeGaT Center For Human Genetics Tuebingen Variant Classification Criteria Version 2. Collection method: clinical testing. Allele origin: germline. Affected: yes. Observed: 1 variant allele.

Labcorp Genetics (formerly Invitae), Labcorp
Classification: Uncertain significance. Last evaluated: 2024-10-12. Review status: criteria provided, single submitter. Criteria: Invitae Variant Classification Sherloc (09022015). Collection method: clinical testing. Allele origin: germline.
Comment: The EPB41 gene has multiple clinically relevant transcripts. This variant occurs in alternate transcript NM_001166005.1, and corresponds to NM_004437.3:c.1219-1584A>G in the primary transcript. This sequence change replaces isoleucine, which is neutral and non-polar, with valine, which is neutral and non-polar, at codon 644 of the EPB41 protein (p.Ile644Val). This variant is present in population databases (rs201674226, gnomAD 0.05%). This variant has not been reported in the literature in individuals affected with EPB41-related conditions. Algorithms developed to predict the effect of sequence changes on RNA splicing suggest that this variant may create or strengthen a splice site. In summary, the available evidence is currently insufficient to determine the role of this variant in disease. Therefore, it has been classified as a Variant of Uncertain Significance.

ARUP Laboratories, Molecular Genetics and Genomics, ARUP Laboratories
Classification: Likely benign for Elliptocytosis 1. Last evaluated: 2023-05-26. Review status: criteria provided, single submitter. Criteria: ARUP Molecular Germline Variant Investigation Process 2024. Collection method: clinical testing. Allele origin: germline.

Dr. Peter K. Rogan Lab, Western University
No classification provided (evidence only). Condition: Lymphoma. Review status: no classification provided. Collection method: in vitro. Allele origin: not applicable. Functional consequence: retained intron. Not counted in ClinVar's aggregate classification.